The following is an entry in ClinVar:

ClinVar aggregate classification (germline): Pathogenic/Likely pathogenic. Review status: criteria provided, multiple submitters, no conflicts (2 of 4 stars). 3 submissions from 2 submitters: Pathogenic (2); Likely pathogenic (1). Last evaluated 2026-01-20.

Conditions:
Meckel-Gruber syndrome. Also called: Dysencephalia splachnocystica; DYSENCEPHALIA SPLANCHNOCYSTICA; GRUBER SYNDROME. Identifiers: Orphanet 564, MedGen C0265215, MONDO:0018921.
Joubert syndrome. Also called: CEREBELLOPARENCHYMAL DISORDER IV; JOUBERT-BOLTSHAUSER SYNDROME; Familial aplasia of the vermis. Identifiers: Orphanet 475, MedGen C5979921, MONDO:0018772.

Submissions (3):

Labcorp Genetics (formerly Invitae), Labcorp
Classification: Pathogenic for Joubert syndrome; Meckel-Gruber syndrome. Last evaluated: 2026-01-20. Review status: criteria provided, single submitter. Criteria: Invitae Variant Classification Sherloc (09022015). Collection method: clinical testing. Allele origin: germline.
Comment: This sequence change creates a premature translational stop signal (p.His374Metfs*7) in the RPGRIP1L gene. It is expected to result in an absent or disrupted protein product. Loss-of-function variants in RPGRIP1L are known to be pathogenic (PMID: 17558409). This variant is not present in population databases (gnomAD no frequency). This variant has not been reported in the literature in individuals affected with RPGRIP1L-related conditions. ClinVar contains an entry for this variant (Variation ID: 241025). For these reasons, this variant has been classified as Pathogenic.

Natera, Inc.
Classification: Likely pathogenic for Joubert syndrome. Last evaluated: 2024-10-03. Review status: criteria provided, single submitter. Criteria: Natera Variant Classification Schema (03/2026). Collection method: clinical testing. Allele origin: germline.
Comment: The c.1120delC variant in RPGRIP1L is a frameshift variant predicted to shift the reading frame beginning at codon 374 and leads to a stop codon 7 codons downstream. This variant is expected to result in nonsense mediated decay, truncation, or a dysfunctional protein product. This variant is rare in the general population with a frequency below the threshold expected for the associated phenotype(s). Given the available evidence, this variant is classified as Likely Pathogenic.

Labcorp Genetics (formerly Invitae), Labcorp
Classification: Pathogenic for Joubert syndrome. Last evaluated: 2015-12-16. Review status: criteria provided, single submitter. Criteria: Invitae Variant Classification Sherloc (09022015). Collection method: clinical testing. Allele origin: germline.
Comment: This sequence change deletes 1 nucleotide from exon 10 of the RPGRIP1L mRNA (c.1120delC), causing a frameshift at codon 374. This creates a premature translational stop signal (p.His374Metfs*7) and is expected to result in an absent or disrupted protein product. While this particular variant has not been reported in the literature, truncating variants in RPGRIP1L are known to be pathogenic (PMID: 17558409). For these reasons, this variant has been classified as Pathogenic.

Literature cited by the submitters: PubMed 17558409 (cited by Labcorp Genetics (formerly Invitae), Labcorp).

NM_015272.5(RPGRIP1L):c.1120del (p.His374fs)

Gene: RPGRIP1L (RPGRIP1 like; minus strand). Cytogenetic location: 16q12.2.
Variant type: Deletion.
Coding change: c.1120del on transcript NM_015272.5 (MANE Select); coding-DNA position 1120, one base deleted (C; older notation c.1120delC).
Protein change: p.His374fs; shifts the reading frame from histidine 374.
Molecular consequence: frameshift variant.
Genome position (GRCh38, 1-based): chr16:53,664,993, G deleted on the plus strand (C on the coding strand, the reverse complement: RPGRIP1L is on the minus strand); the first of 3 consecutive G bases (chr16:53,664,993-53,664,995); deleting any one gives the same sequence. VCF-style (leftmost placement, unchanged base first): chr16-53664992-TG-T. GRCh37 (hg19) VCF-style: chr16-53698904-TG-T.
Other names: c.1120del, p.His374fs (NM_001127897.4, NM_001308334.3, NM_001330538.2); c.1120delC (NM_015272.4); short protein forms H374fs.
Identifiers: ClinVar variation 241025 (VCV000241025.9), dbSNP rs878855006, ClinGen allele CA10583397.